The following is an entry in ClinVar:

NM_024420.3(PLA2G4A):c.1995C>T (p.Ile665=)

Gene: PLA2G4A (phospholipase A2 group IVA; plus strand). Cytogenetic location: 1q31.1.
Variant type: single nucleotide variant.
Coding change: c.1995C>T on transcript NM_024420.3 (MANE Select); coding-DNA position 1995, C replaced by T.
Protein change: p.Ile665=; no amino-acid change (isoleucine 665 retained).
Molecular consequence: synonymous variant.
Genome position (GRCh38, 1-based): chr1:186,979,349, C>T. VCF-style: chr1-186979349-C-T. GRCh37 (hg19) VCF-style: chr1-186948481-C-T.
Other names: p.Ile665=; c.1815C>T, p.Ile605= (NM_001311193.2).
Identifiers: ClinVar variation 725133 (VCV000725133.9), dbSNP rs149831494, ClinGen allele CA1300349.

ClinVar aggregate classification (germline): Likely benign. Review status: criteria provided, multiple submitters, no conflicts (2 of 4 stars). 2 submissions from 2 submitters: Likely benign (2). Last evaluated 2026-01-24.

Allele frequency attached by ClinVar (database versions not stated): gnomAD exomes 0.00018; ExAC 0.00021; 1000 Genomes Project 30x 0.00047; ESP Exome Variant Server 0.00054; 1000 Genomes Project 0.00060; gnomAD 0.00094 and 0.00109; TOPMed 0.00097.
gnomAD v4.1: 250 of 1,611,700 alleles (0.016%); highest among the groups gnomAD compares: African/African-American, 0.29%; 1 homozygote.

Submissions (2):

Labcorp Genetics (formerly Invitae), Labcorp
Classification: Likely benign. Last evaluated: 2026-01-24. Review status: criteria provided, single submitter. Criteria: Invitae Variant Classification Sherloc (09022015). Collection method: clinical testing. Allele origin: germline.

Mayo Clinic Laboratories, Mayo Clinic
Classification: Likely benign. Last evaluated: 2024-07-02. Review status: criteria provided, single submitter. Criteria: ACMG Guidelines, 2015. Collection method: clinical testing. Allele origin: germline. Observed: 2 variant alleles.
Comment: BS1, BP4, BP7